The following is an entry in ClinVar:

NM_014339.7(IL17RA):c.561C>T (p.His187=)

Gene: IL17RA (interleukin 17 receptor A; plus strand). Cytogenetic location: 22q11.1.
Variant type: single nucleotide variant.
Coding change: c.561C>T on transcript NM_014339.7 (MANE Select); coding-DNA position 561, C replaced by T.
Protein change: p.His187=; no amino-acid change (histidine 187 retained).
Molecular consequence: synonymous variant.
Genome position (GRCh38, 1-based): chr22:17,102,006, C>T. VCF-style: chr22-17102006-C-T. GRCh37 (hg19) VCF-style: chr22-17582896-C-T.
Other names: c.561C>T, p.His187= (NM_001289905.2).
Identifiers: ClinVar variation 340575 (VCV000340575.18), dbSNP rs371342533, ClinGen allele CA10086399.

ClinVar aggregate classification (germline): Likely benign. Review status: criteria provided, multiple submitters, no conflicts (2 of 4 stars). 3 submissions from 3 submitters: Likely benign (2). 1 of the submissions does not count toward it. Last evaluated 2025-10-08.

Conditions:
IL17RA-related disorder. Also called: IL17RA-related condition.
Immunodeficiency 51 (IMD51). Also called: CANDIDIASIS, FAMILIAL, 5. Identifiers: Orphanet 1334, MedGen C4310803, MONDO:0013500, OMIM 613953.

Allele frequency attached by ClinVar (database versions not stated): gnomAD exomes 0.00006 and 0.00010; gnomAD 0.00012; ExAC 0.00014; ESP Exome Variant Server 0.00015; 1000 Genomes Project 30x 0.00016; TOPMed 0.00016; 1000 Genomes Project 0.00020.
gnomAD v4.1: 115 of 1,614,226 alleles (0.0071%); highest among the groups gnomAD compares: Middle Eastern, 0.049%; no homozygotes.

Submissions (3):

Labcorp Genetics (formerly Invitae), Labcorp
Classification: Likely benign for Immunodeficiency 51. Last evaluated: 2025-10-08. Review status: criteria provided, single submitter. Criteria: Invitae Variant Classification Sherloc (09022015). Collection method: clinical testing. Allele origin: germline.

Blueprint Genetics
Classification: Likely benign. Last evaluated: 2023-11-28. Review status: criteria provided, single submitter. Criteria: ACMG Guidelines, 2015. Collection method: clinical testing. Allele origin: germline.

PreventionGenetics, part of Exact Sciences
Classification: Likely benign for IL17RA-related condition. Last evaluated: 2020-02-26. Review status: no assertion criteria provided. Collection method: clinical testing. Allele origin: germline. Not counted in ClinVar's aggregate classification.
Comment: This variant is classified as likely benign based on ACMG/AMP sequence variant interpretation guidelines (Richards et al. 2015 PMID: 25741868, with internal and published modifications).